The following is an entry in ClinVar:

ClinVar aggregate classification (germline): Likely benign (0 of 4 stars; one submission).

Conditions:
COL4A1-related disorder. Also called: COL4A1-related disorders; COL4A1-related condition. Identifiers: MedGen CN376119, MONDO:0800461.

Submission:

PreventionGenetics, part of Exact Sciences
Classification: Likely benign for COL4A1-related condition. Last evaluated: 2020-12-28. Review status: no assertion criteria provided. Collection method: clinical testing. Allele origin: germline.
Comment: This variant is classified as likely benign based on ACMG/AMP sequence variant interpretation guidelines (Richards et al. 2015 PMID: 25741868, with internal and published modifications).

NM_001845.6(COL4A1):c.2969-7del

Gene: COL4A1 (collagen type IV alpha 1 chain; minus strand). Cytogenetic location: 13q34.
Variant type: Deletion.
Coding change: c.2969-7del on transcript NM_001845.6 (MANE Select); 7 bases into the intron before coding-DNA position 2969, one base deleted (G; older notation c.2969-7delG).
Molecular consequence: intron variant.
Genome position (GRCh38, 1-based): chr13:110,176,520, C deleted on the plus strand (G on the coding strand, the reverse complement: COL4A1 is on the minus strand); the first of 2 consecutive C bases (chr13:110,176,520-110,176,521); deleting either gives the same sequence. VCF-style (leftmost placement, unchanged base first): chr13-110176519-AC-A. GRCh37 (hg19) VCF-style: chr13-110828866-AC-A.
Identifiers: ClinVar variation 3030128 (VCV003030128.2), dbSNP rs2501775786, ClinGen allele CA2740097692.
Genomic context (GRCh38, chr13:110,176,519, plus strand): 5'-CCCGGAAGTCCTGGAGCACCTGGGGTTCCACTTATACCTGGATCACCTTTAGGTCCTAGA[AC>A]CATAAAGAAAGCAGTCTGACAGGTTGACATCTACAGAAAGAGCTGGGGAACACAGGCCTC-3'